The following is an entry in ClinVar:

NM_005591.4(MRE11):c.2092A>G (p.Met698Val)

Gene: MRE11 (MRE11 double strand break repair nuclease; minus strand). Cytogenetic location: 11q21.
Variant type: single nucleotide variant.
Coding change: c.2092A>G on transcript NM_005591.4 (MANE Select); coding-DNA position 2092, A replaced by G.
Protein change: p.Met698Val; replaces methionine 698 with valine.
Molecular consequence: missense variant.
Genome position (GRCh38, 1-based): chr11:94,420,160, T>C on the plus strand (A>G on the coding strand, the complement: MRE11 is on the minus strand). VCF-style: chr11-94420160-T-C. GRCh37 (hg19) VCF-style: chr11-94153326-T-C.
Other names: p.M698V:ATG>GTG; NP_005582.1:p.Met698Val; c.2089A>G, p.Met697Val (NM_001330347.2); c.2008A>G, p.Met670Val (NM_005590.4); short protein forms M698V, M670V, M697V.
Identifiers: ClinVar variation 129622 (VCV000129622.45), dbSNP rs1805362, ClinGen allele CA153719.

ClinVar aggregate classification (germline): Benign. Review status: criteria provided, multiple submitters, no conflicts (2 of 4 stars). 15 submissions from 15 submitters: Benign (11). 4 of the submissions do not count toward it. Last evaluated 2026-02-02.

Conditions:
Ataxia-telangiectasia-like disorder (ATLD). Identifiers: MedGen C1858391, MONDO:0011457.
Hereditary cancer-predisposing syndrome. Also called: Tumor predisposition; Hereditary neoplastic syndrome; Neoplastic Syndromes, Hereditary; Hereditary Cancer Syndrome. Identifiers: Orphanet 140162, MedGen C0027672, MeSH D009386, MONDO:0015356.
Hereditary breast ovarian cancer syndrome. Also called: Hereditary breast and ovarian cancer syndrome (HBOC); Hereditary breast and ovarian cancer; Hereditary breast and ovarian cancer syndrome; Breast and ovarian cancer; Hereditary breast and/or ovarian cancer syndrome; BRCA1- and BRCA2-Associated Hereditary Breast and Ovarian Cancer. Identifiers: Orphanet 145, MedGen C0677776, MeSH D061325, MONDO:0003582. Disease mechanism: loss of function.
Ataxia-telangiectasia-like disorder 1 (ATLD1). Identifiers: Orphanet 251347, MedGen C4012790, MONDO:0024557, OMIM 604391.

Allele frequency attached by ClinVar (database versions not stated): gnomAD exomes 0.00144; ExAC 0.00155; 1000 Genomes Project 0.00459; gnomAD 0.00548; ESP Exome Variant Server 0.00556; 1000 Genomes Project 30x 0.00562; TOPMed 0.00628.
gnomAD v4.1: 1,571 of 1,582,312 alleles (0.099%); highest among the groups gnomAD compares: African/African-American, 1.9%; 25 homozygotes.

Submissions (15):

Labcorp Genetics (formerly Invitae), Labcorp
Classification: Benign for Ataxia-telangiectasia-like disorder. Last evaluated: 2026-02-02. Review status: criteria provided, single submitter. Criteria: Invitae Variant Classification Sherloc (09022015). Collection method: clinical testing. Allele origin: germline.

CeGaT Center for Human Genetics Tuebingen
Classification: Benign. Last evaluated: 2025-08-01. Review status: criteria provided, single submitter. Criteria: CeGaT Center For Human Genetics Tuebingen Variant Classification Criteria Version 2. Collection method: clinical testing. Allele origin: germline. Affected: yes. Observed: 1 variant allele.
Comment: MRE11: BP4, BS1, BS2

KCCC/NGS Laboratory, Kuwait Cancer Control Center
Classification: Benign for Ataxia-telangiectasia-like disorder 1. Last evaluated: 2023-07-07. Review status: criteria provided, single submitter. Criteria: ACMG Guidelines, 2015. Collection method: clinical testing. Allele origin: germline. Affected: yes.

National Health Laboratory Service, Universitas Academic Hospital and University of the Free State
Classification: Benign for Hereditary breast ovarian cancer syndrome. Last evaluated: 2022-04-19. Review status: criteria provided, single submitter. Criteria: ACMG Guidelines, 2015. Collection method: clinical testing. Allele origin: germline. Affected: yes. Observed: 28 variant alleles.

Quest Diagnostics Nichols Institute San Juan Capistrano
Classification: Benign. Last evaluated: 2021-12-07. Review status: criteria provided, single submitter. Criteria: Quest Diagnostics criteria. Collection method: clinical testing. Allele origin: unknown.

ARUP Laboratories, Molecular Genetics and Genomics, ARUP Laboratories
Classification: Benign for Ataxia-telangiectasia-like disorder 1. Last evaluated: 2020-05-28. Review status: criteria provided, single submitter. Criteria: ARUP Molecular Germline Variant Investigation Process. Collection method: clinical testing. Allele origin: germline.

Women's Health and Genetics/Laboratory Corporation of America, LabCorp
Classification: Benign. Last evaluated: 2018-08-13. Review status: criteria provided, single submitter. Criteria: LabCorp Variant Classification Summary - May 2015. Collection method: clinical testing. Allele origin: germline.
Comment: Variant summary: MRE11A c.2092A>G (p.Met698Val) results in a conservative amino acid change in the encoded protein sequence that is located outside of any known functional domains. Five of five in-silico tools predict a benign effect of the variant on protein function. The variant allele was found at a frequency of 0.0019 in 270304 control chromosomes, predominantly within the African subpopulation at a frequency of 0.019, including 7 homozygotes in the gnomAD database. The observed variant frequency within African control individuals in the gnomAD database is approximately 300 fold of the estimated maximal expected allele frequency for a pathogenic variant in MRE11A causing Hereditary Breast and Ovarian Cancer phenotype (6.3e-05), strongly suggesting that the variant is a benign polymorphism found primarily in populations of African origin. Moreover, the variant was found in 76/2559 African American women (with 1 homozygote), who are older than age 70 years, and who have never had cancer (in the FLOSSIES database). To our knowledge, no experimental evidence demonstrating its impact on protein function have been reported. Two clinical diagnostic laboratories have submitted clinical-significance assessments for this variant to ClinVar after 2014 without evidence for independent evaluation, and both laboratories classified the variant as benign. Based on the evidence outlined above, the variant was classified as benign.

Athena Diagnostics
Classification: Benign. Last evaluated: 2017-10-25. Review status: criteria provided, single submitter. Criteria: Athena Diagnostics Criteria. Collection method: clinical testing. Allele origin: germline.

Illumina Laboratory Services, Illumina
Classification: Benign for Ataxia-telangiectasia-like disorder 1. Last evaluated: 2017-04-28. Review status: criteria provided, single submitter. Criteria: ICSL Variant Classification Criteria 13 December 2019. Collection method: clinical testing. Allele origin: germline.
Comment: This variant was observed as part of a predisposition screen in an ostensibly healthy population. A literature search was performed for the gene, cDNA change, and amino acid change (where applicable). Publications were found based on this search. The evidence from the literature, in combination with allele frequency data from public databases where available, was sufficient to rule this variant out of causing disease. Therefore, this variant is classified as benign.

Ambry Genetics
Classification: Benign for Hereditary cancer-predisposing syndrome. Last evaluated: 2014-11-24. Review status: criteria provided, single submitter. Criteria: Ambry Variant Classification Scheme 2023. Collection method: clinical testing. Allele origin: germline.

GeneDx
Classification: Benign. Last evaluated: 2013-10-25. Review status: criteria provided, single submitter. Criteria: GeneDx Variant Classification (06012015). Collection method: clinical testing. Allele origin: germline. Affected: yes.
Comment: This variant is considered likely benign or benign based on one or more of the following criteria: it is a conservative change, it occurs at a poorly conserved position in the protein, it is predicted to be benign by multiple in silico algorithms, and/or has population frequency not consistent with disease.

Counsyl
Classification: Benign for Ataxia-telangiectasia-like disorder 1. Last evaluated: 2016-06-08. Review status: no assertion criteria provided. Collection method: clinical testing. Allele origin: unknown. Not counted in ClinVar's aggregate classification.

Clinical Genetics DNA and cytogenetics Diagnostics Lab, Erasmus MC, Erasmus Medical Center
Classification: Benign. Review status: no assertion criteria provided. Collection method: clinical testing. Allele origin: germline. Affected: yes. Study: VKGL Data-share Consensus. Not counted in ClinVar's aggregate classification.

Genetic Services Laboratory, University of Chicago
Classification: Likely benign for AllHighlyPenetrant. Review status: no assertion criteria provided. Collection method: clinical testing. Allele origin: germline. Inheritance: Autosomal recessive inheritance. Not counted in ClinVar's aggregate classification.
Comment: Likely benign based on allele frequency in 1000 Genomes Project or ESP global frequency and its presence in a patient with a rare or unrelated disease phenotype. NOT Sanger confirmed.

Genome Diagnostics Laboratory, University Medical Center Utrecht
Classification: Benign. Review status: no assertion criteria provided. Collection method: clinical testing. Allele origin: germline. Affected: yes. Study: VKGL Data-share Consensus. Not counted in ClinVar's aggregate classification.

Literature cited by the submitters: PubMed 20052722 (cited by 3 submitters); PubMed 32039725 (cited by Quest Diagnostics Nichols Institute San Juan Capistrano).